The following is an entry in ClinVar:

NM_014458.4(KLHL20):c.1585C>T (p.Pro529Ser)

Gene: KLHL20 (kelch like family member 20; plus strand). Cytogenetic location: 1q25.1.
Variant type: single nucleotide variant.
Coding change: c.1585C>T on transcript NM_014458.4 (MANE Select); coding-DNA position 1585, C replaced by T.
Protein change: p.Pro529Ser; replaces proline 529 with serine.
Molecular consequence: missense variant.
Genome position (GRCh38, 1-based): chr1:173,775,789, C>T. VCF-style: chr1-173775789-C-T. GRCh37 (hg19) VCF-style: chr1-173744928-C-T.
Other names: short protein forms P529S.
Identifiers: ClinVar variation 4544462 (VCV004544462.1).

ClinVar aggregate classification (germline): Uncertain significance (1 of 4 stars; one submission).

gnomAD v4.1: 3 of 1,614,098 alleles (0.00019%); highest among the groups gnomAD compares: South Asian, 0.0022%; no homozygotes.

Submission:

Ambry Genetics
Classification: Uncertain significance. Last evaluated: 2025-11-08. Review status: criteria provided, single submitter. Criteria: Ambry Variant Classification Scheme 2023. Collection method: clinical testing. Allele origin: germline.
Comment: The c.1585C>T (p.P529S) alteration is located in exon 10 (coding exon 9) of the KLHL20 gene. This alteration results from a C to T substitution at nucleotide position 1585, causing the proline (P) at amino acid position 529 to be replaced by a serine (S). Based on data from gnomAD, the T allele has an overall frequency of <0.001% (1/251456) total alleles studied. The highest observed frequency was 0.003% (1/30612) of South Asian alleles. Based on insufficient or conflicting evidence, the clinical significance of this alteration remains unclear.